The following is an entry in ClinVar:

NM_022367.4(SEMA4A):c.1768T>G (p.Tyr590Asp)

Gene: SEMA4A (semaphorin 4A; plus strand). Cytogenetic location: 1q22.
Variant type: single nucleotide variant.
Coding change: c.1768T>G on transcript NM_022367.4 (MANE Select); coding-DNA position 1768, T replaced by G.
Protein change: p.Tyr590Asp; replaces tyrosine 590 with aspartic acid.
Molecular consequence: missense variant.
Genome position (GRCh38, 1-based): chr1:156,176,479, T>G. VCF-style: chr1-156176479-T-G. GRCh37 (hg19) VCF-style: chr1-156146270-T-G.
Other names: c.1768T>G, p.Tyr590Asp (NM_001193300.2, NM_001193301.2, NM_001370567.1); c.1372T>G, p.Tyr458Asp (NM_001193302.2); c.1471T>G, p.Tyr491Asp (NM_001370568.1); c.1261T>G, p.Tyr421Asp (NM_001370569.1, NM_001370571.1); short protein forms Y590D, Y421D, Y458D, Y491D.
Identifiers: ClinVar variation 2003160 (VCV002003160.4), dbSNP rs1341532667, ClinGen allele CA342811525.
Genomic context (GRCh38, chr1:156,176,479, plus strand): 5'-GCTGTCCCCAACTCCATCCTGGAGCTCCCCTGCCCCCACCTGTCAGCCTTGGCCTCTTAT[T>G]ATTGGAGTCATGGCCCAGCAGCAGTCCCAGAAGCCTCTTCCACTGTCTACAATGGCTCCC-3'
Protein context (NP_071762.2, residues 580-600): CPHLSALASY[Tyr590Asp]WSHGPAAVPE

ClinVar aggregate classification (germline): Uncertain significance (1 of 4 stars; one submission).

Allele frequency attached by ClinVar (database versions not stated): gnomAD 0.00001; TOPMed 0.00001.
gnomAD v4.1: 2 of 1,613,980 alleles (0.00012%); highest among the groups gnomAD compares: African/African-American, 0.0027%; no homozygotes.

Submission:

Labcorp Genetics (formerly Invitae), Labcorp
Classification: Uncertain significance. Last evaluated: 2022-06-08. Review status: criteria provided, single submitter. Criteria: Invitae Variant Classification Sherloc (09022015). Collection method: clinical testing. Allele origin: germline.
Comment: In summary, the available evidence is currently insufficient to determine the role of this variant in disease. Therefore, it has been classified as a Variant of Uncertain Significance. Algorithms developed to predict the effect of missense changes on protein structure and function (SIFT, PolyPhen-2, Align-GVGD) all suggest that this variant is likely to be tolerated. This variant has not been reported in the literature in individuals affected with SEMA4A-related conditions. This variant is not present in population databases (gnomAD no frequency). This sequence change replaces tyrosine, which is neutral and polar, with aspartic acid, which is acidic and polar, at codon 590 of the SEMA4A protein (p.Tyr590Asp).